The following is an entry in ClinVar:

NM_024642.5(GALNT12):c.133G>A (p.Ala45Thr)

Gene: GALNT12 (polypeptide N-acetylgalactosaminyltransferase 12; plus strand). Cytogenetic location: 9q22.33.
Variant type: single nucleotide variant.
Coding change: c.133G>A on transcript NM_024642.5 (MANE Select); coding-DNA position 133, G replaced by A.
Protein change: p.Ala45Thr; replaces alanine 45 with threonine.
Molecular consequence: missense variant.
Genome position (GRCh38, 1-based): chr9:98,807,831, G>A. VCF-style: chr9-98807831-G-A. GRCh37 (hg19) VCF-style: chr9-101570113-G-A.
Other names: short protein forms A45T.
Identifiers: ClinVar variation 2586455 (VCV002586455.3), dbSNP rs1835409244, ClinGen allele CA374222360.

ClinVar aggregate classification (germline): Uncertain significance. Review status: criteria provided, multiple submitters, no conflicts (2 of 4 stars). 2 submissions from 2 submitters: Uncertain significance (2). Last evaluated 2023-06-27.

Conditions:
Colorectal cancer, susceptibility to, 1. Also called: COLORECTAL ADENOMA AND CANCER, SUSCEPTIBILITY TO; COLORECTAL CANCER, SUSCEPTIBILITY TO, ON CHROMOSOME 9. Identifiers: MedGen C1837315, MONDO:0012132, OMIM 608812.

Allele frequency attached by ClinVar (database versions not stated): gnomAD exomes below 0.00001.
gnomAD v4.1: 2 of 1,019,220 alleles (0.0002%); highest among the groups gnomAD compares: Non-Finnish European, 0.00012%; no homozygotes.

Submissions (2):

Ambry Genetics
Classification: Uncertain significance. Last evaluated: 2023-06-27. Review status: criteria provided, single submitter. Criteria: Ambry Variant Classification Scheme 2023. Collection method: clinical testing. Allele origin: germline.
Comment: The p.A45T variant (also known as c.133G>A), located in coding exon 1 of the GALNT12 gene, results from a G to A substitution at nucleotide position 133. The alanine at codon 45 is replaced by threonine, an amino acid with similar properties. This amino acid position is conserved. In addition, this alteration is predicted to be tolerated by in silico analysis. Since supporting evidence is limited at this time, the clinical significance of this alteration remains unclear.

Department of Pathology and Laboratory Medicine, Sinai Health System
Classification: Uncertain significance for Colorectal cancer, susceptibility to, 1. Last evaluated: 2021-11-11. Review status: criteria provided, single submitter. Criteria: ACMG Guidelines, 2015. Collection method: clinical testing. Allele origin: germline.